The following is an entry in ClinVar:

NM_002972.4(SBF1):c.4462C>T (p.His1488Tyr)

Gene: SBF1 (SET binding factor 1; minus strand). Cytogenetic location: 22q13.33.
Variant type: single nucleotide variant.
Coding change: c.4462C>T on transcript NM_002972.4 (MANE Select); coding-DNA position 4462, C replaced by T.
Protein change: p.His1488Tyr; replaces histidine 1488 with tyrosine.
Molecular consequence: missense variant.
Genome position (GRCh38, 1-based): chr22:50,455,316, G>A on the plus strand (C>T on the coding strand, the complement: SBF1 is on the minus strand). VCF-style: chr22-50455316-G-A. GRCh37 (hg19) VCF-style: chr22-50893745-G-A.
Other names: c.4462C>T (NM_002972.2); c.4387C>T, p.His1463Tyr (NM_001365819.1); short protein forms H1488Y, H1463Y.
Identifiers: ClinVar variation 618867 (VCV000618867.9), dbSNP rs1569510303, ClinGen allele CA412195728.

ClinVar aggregate classification (germline): Uncertain significance. Review status: criteria provided, multiple submitters, no conflicts (2 of 4 stars). 2 submissions from 2 submitters: Uncertain significance (2). Last evaluated 2026-03-04.

Allele frequency attached by ClinVar (database versions not stated): gnomAD exomes below 0.00001.

Submissions (2):

GeneDx
Classification: Uncertain significance. Last evaluated: 2026-03-04. Review status: criteria provided, single submitter. Criteria: GeneDx Variant Classification Process June 2021. Collection method: clinical testing. Allele origin: germline.
Comment: Not observed at significant frequency in large population cohorts (gnomAD); In silico analysis supports that this missense variant has a deleterious effect on protein structure/function; Has not been previously published as pathogenic or benign to our knowledge

ARUP Laboratories, Molecular Genetics and Genomics, ARUP Laboratories
Classification: Uncertain significance. Last evaluated: 2017-11-21. Review status: criteria provided, single submitter. Criteria: ARUP Molecular Germline Variant Investigation Process. Collection method: clinical testing. Allele origin: germline.
Comment: The SBF1 (NM_002972.3): c.4462C>T p.His1488Tyr variant has not been reported in the medical literature, gene specific variation databases, nor has it been previously identified by our laboratory. It is absent from general population databases such as 1000 Genomes, NHLBI GO Exome Sequencing Project (ESP), and the genome Aggregation Database (gnomAD) browser. The histidine at position 1488 is highly conserved and computational analyses of the effects of the p.His1488Tyr variant on protein structure and function predict a deleterious effect (SIFT: damaging, MutationTaster: disease causing, PolyPhen-2: probably damaging). Altogether, there is not enough evidence to classify the p.His1488Tyr variant with certainty.